The following is an entry in ClinVar:

NM_000492.4(CFTR):c.3487G>A (p.Val1163Ile)

Genes: CFTR (CF transmembrane conductance regulator; plus strand), CFTR-AS2 (CFTR antisense RNA 2; minus strand). Cytogenetic location: 7q31.2.
Variant type: single nucleotide variant.
Coding change: c.3487G>A on transcript NM_000492.4 (MANE Select); coding-DNA position 3487, G replaced by A.
Protein change: p.Val1163Ile; replaces valine 1163 with isoleucine.
Molecular consequence: missense variant.
Genome position (GRCh38, 1-based): chr7:117,627,540, G>A. VCF-style: chr7-117627540-G-A. GRCh37 (hg19) VCF-style: chr7-117267594-G-A.
Other names: short protein forms V1163I.
Identifiers: ClinVar variation 1731885 (VCV001731885.2), dbSNP rs2485146138, ClinGen allele CA368996015.

ClinVar aggregate classification (germline): Uncertain significance (1 of 4 stars; one submission).

Conditions:
Cystic fibrosis (CF). Also called: MUCOVISCIDOSIS. Identifiers: Orphanet 586, MedGen C0010674, MONDO:0009061, OMIM 219700. Disease mechanism: loss of function.

Submission:

Ambry Genetics
Classification: Uncertain significance for Cystic fibrosis. Last evaluated: 2021-05-11. Review status: criteria provided, single submitter. Criteria: Ambry Variant Classification Scheme 2023. Collection method: clinical testing. Allele origin: germline.
Comment: The p.V1163I variant (also known as c.3487G>A), located in coding exon 22 of the CFTR gene, results from a G to A substitution at nucleotide position 3487. The valine at codon 1163 is replaced by isoleucine, an amino acid with highly similar properties. This amino acid position is well conserved in available vertebrate species. In addition, the in silico prediction for this alteration is inconclusive. Since supporting evidence is limited at this time, the clinical significance of this alteration remains unclear.